The following is an entry in ClinVar:

NM_001258392.3(CLPB):c.1623C>G (p.Phe541Leu)

Gene: CLPB (ClpB family mitochondrial disaggregase; minus strand). Cytogenetic location: 11q13.4.
Variant type: single nucleotide variant.
Coding change: c.1623C>G on transcript NM_001258392.3 (MANE Select); coding-DNA position 1623, C replaced by G.
Protein change: p.Phe541Leu; replaces phenylalanine 541 with leucine.
Molecular consequence: missense variant.
Genome position (GRCh38, 1-based): chr11:72,294,382, G>C on the plus strand (C>G on the coding strand, the complement: CLPB is on the minus strand). VCF-style: chr11-72294382-G-C. GRCh37 (hg19) VCF-style: chr11-72005426-G-C.
Other names: c.1536C>G, p.Phe512Leu (NM_001258393.3); c.1578C>G, p.Phe526Leu (NM_001258394.3); c.1713C>G, p.Phe571Leu (NM_030813.6); short protein forms F571L, F526L, F512L, F541L.
Identifiers: ClinVar variation 3722266 (VCV003722266.2).

ClinVar aggregate classification (germline): Uncertain significance (1 of 4 stars; one submission).

Conditions:
3-methylglutaconic aciduria, type VIIB (MGCA7B). Also called: 3-methylglutaconic aciduria, type VII, with cataracts, neurologic involvement and neutropenia; CLPB Deficiency; 3-methylglutaconic aciduria with cataracts, neurologic involvement and neutropenia. Identifiers: Orphanet 445038, MedGen C5676893, MONDO:0014561, OMIM 616271.

Submission:

Labcorp Genetics (formerly Invitae), Labcorp
Classification: Uncertain significance for 3-methylglutaconic aciduria, type VIIB. Last evaluated: 2024-11-13. Review status: criteria provided, single submitter. Criteria: Invitae Variant Classification Sherloc (09022015). Collection method: clinical testing. Allele origin: germline.
Comment: This sequence change replaces phenylalanine, which is neutral and non-polar, with leucine, which is neutral and non-polar, at codon 571 of the CLPB protein (p.Phe571Leu). This variant is not present in population databases (gnomAD no frequency). This variant has not been reported in the literature in individuals affected with CLPB-related conditions. An algorithm developed to predict the effect of missense changes on protein structure and function (PolyPhen-2) suggests that this variant is likely to be disruptive. In summary, the available evidence is currently insufficient to determine the role of this variant in disease. Therefore, it has been classified as a Variant of Uncertain Significance.